The following is an entry in ClinVar:

NM_052947.4(ALPK2):c.5018G>A (p.Cys1673Tyr)

Genes: ALPK2 (alpha kinase 2; minus strand), LOC130062577 (ATAC-STARR-seq lymphoblastoid active region 13389; plus strand). Cytogenetic location: 18q21.31.
Variant type: single nucleotide variant.
Coding change: c.5018G>A on transcript NM_052947.4 (MANE Select); coding-DNA position 5018, G replaced by A.
Protein change: p.Cys1673Tyr; replaces cysteine 1673 with tyrosine.
Molecular consequence: missense variant.
Genome position (GRCh38, 1-based): chr18:58,535,169, C>T on the plus strand (G>A on the coding strand, the complement: ALPK2 is on the minus strand). VCF-style: chr18-58535169-C-T. GRCh37 (hg19) VCF-style: chr18-56202401-C-T.
Other names: short protein forms C1673Y.
Identifiers: ClinVar variation 2626686 (VCV002626686.2), dbSNP rs755184268, ClinGen allele CA8976597.

ClinVar aggregate classification (germline): Uncertain significance (1 of 4 stars; one submission).

Allele frequency attached by ClinVar (database versions not stated): gnomAD exomes below 0.00001; ExAC 0.00001.
gnomAD v4.1: 1 of 1,614,068 alleles (0.000062%); highest among the groups gnomAD compares: Non-Finnish European, 0.000085%; no homozygotes.

Submission:

Ambry Genetics
Classification: Uncertain significance. Last evaluated: 2023-08-30. Review status: criteria provided, single submitter. Criteria: Ambry Variant Classification Scheme 2023. Collection method: clinical testing. Allele origin: germline.
Comment: The p.C1673Y variant (also known as c.5018G>A), located in coding exon 4 of the ALPK2 gene, results from a G to A substitution at nucleotide position 5018. The cysteine at codon 1673 is replaced by tyrosine, an amino acid with highly dissimilar properties. This amino acid position is conserved. In addition, this alteration is predicted to be tolerated by in silico analysis. Since supporting evidence is limited at this time, the clinical significance of this alteration remains unclear.